The following is an entry in ClinVar:

ClinVar aggregate classification (germline): Uncertain significance. Review status: criteria provided, multiple submitters, no conflicts (2 of 4 stars). 2 submissions from 2 submitters: Uncertain significance (2). Last evaluated 2025-04-06.

Conditions:
Familial thoracic aortic aneurysm and aortic dissection (TAAD). Also called: Thoracic aortic aneurysms and dissections. Identifiers: Orphanet 91387, MedGen C4707243, MONDO:0019625.
Hereditary cancer-predisposing syndrome. Also called: Hereditary Cancer Syndrome; Hereditary neoplastic syndrome; Neoplastic Syndromes, Hereditary; Tumor predisposition. Identifiers: Orphanet 140162, MedGen C0027672, MeSH D009386, MONDO:0015356.

Submissions (2):

Ambry Genetics
Classification: Uncertain significance for Hereditary cancer-predisposing syndrome; Familial thoracic aortic aneurysm and aortic dissection. Last evaluated: 2025-04-06. Review status: criteria provided, single submitter. Criteria: Ambry Variant Classification Scheme 2023. Collection method: clinical testing. Allele origin: germline.
Comment: The p.H261Y variant (also known as c.781C>T), located in coding exon 5 of the SMAD4 gene, results from a C to T substitution at nucleotide position 781. The histidine at codon 261 is replaced by tyrosine, an amino acid with similar properties. This amino acid position is conserved. In addition, the in silico prediction for this alteration is inconclusive. Based on the available evidence, the clinical significance of this variant remains unclear.

GeneDx
Classification: Uncertain significance. Last evaluated: 2022-12-15. Review status: criteria provided, single submitter. Criteria: GeneDx Variant Classification Process June 2021. Collection method: clinical testing. Allele origin: germline. Affected: yes.
Comment: Not observed at significant frequency in large population cohorts (gnomAD); In silico analysis supports that this missense variant does not alter protein structure/function; Has not been previously published as pathogenic or benign to our knowledge; In silico analysis suggests this variant may impact gene splicing. In the absence of RNA/functional studies, the actual effect of this sequence change is unknown.

NM_005359.6(SMAD4):c.781C>T (p.His261Tyr)

Gene: SMAD4 (SMAD family member 4; plus strand). Cytogenetic location: 18q21.2.
Variant type: single nucleotide variant.
Coding change: c.781C>T on transcript NM_005359.6 (MANE Select); coding-DNA position 781, C replaced by T.
Protein change: p.His261Tyr; replaces histidine 261 with tyrosine.
Molecular consequence: missense variant. On other transcripts: non-coding transcript variant (2).
Genome position (GRCh38, 1-based): chr18:51,058,238, C>T. VCF-style: chr18-51058238-C-T. GRCh37 (hg19) VCF-style: chr18-48584608-C-T.
Other names: c.781C>T, p.His261Tyr (NM_001407041.1, NM_001407042.1, NM_001407043.1); short protein forms H261Y.
Identifiers: ClinVar variation 2505592 (VCV002505592.2), dbSNP rs2144427757, ClinGen allele CA402463179.